The following is an entry in ClinVar:

NM_006129.5(BMP1):c.2425G>A (p.Asp809Asn)

Gene: BMP1 (bone morphogenetic protein 1; plus strand). Cytogenetic location: 8p21.3.
Variant type: single nucleotide variant.
Coding change: c.2425G>A on transcript NM_006129.5 (MANE Select); coding-DNA position 2425, G replaced by A.
Protein change: p.Asp809Asn; replaces aspartic acid 809 with asparagine.
Molecular consequence: missense variant. On other transcripts: non-coding transcript variant (1).
Genome position (GRCh38, 1-based): chr8:22,207,366, G>A. VCF-style: chr8-22207366-G-A. GRCh37 (hg19) VCF-style: chr8-22064879-G-A.
Other names: short protein forms D809N.
Identifiers: ClinVar variation 1398150 (VCV001398150.4), dbSNP rs200556837, ClinGen allele CA4665240.
Genomic context (GRCh38, chr8:22,207,366, plus strand): 5'-TTCATGGAGATGGACATCGAGTCCCAGCCTGAGTGTGCCTACGACCACCTAGAGGTGTTC[G>A]ACGGGCGAGACGCCAAGGCCCCCGTCCTCGGCCGCTTCTGTGGGAGCAAGAAGCCCGAGC-3'
Protein context (NP_006120.1, residues 799-819): ECAYDHLEVF[Asp809Asn]GRDAKAPVLG

ClinVar aggregate classification (germline): Uncertain significance (1 of 4 stars; one submission).

Allele frequency attached by ClinVar (database versions not stated): TOPMed below 0.00001; gnomAD 0.00001; gnomAD exomes 0.00001 and 0.00002; ExAC 0.00002; 1000 Genomes Project 30x 0.00016; 1000 Genomes Project 0.00020.
gnomAD v4.1: 25 of 1,614,202 alleles (0.0015%); highest among the groups gnomAD compares: East Asian, 0.0045%; no homozygotes.

Submission:

Labcorp Genetics (formerly Invitae), Labcorp
Classification: Uncertain significance. Last evaluated: 2025-09-02. Review status: criteria provided, single submitter. Criteria: Invitae Variant Classification Sherloc (09022015). Collection method: clinical testing. Allele origin: germline.
Comment: This sequence change replaces aspartic acid, which is acidic and polar, with asparagine, which is neutral and polar, at codon 809 of the BMP1 protein (p.Asp809Asn). This variant is present in population databases (rs200556837, gnomAD 0.01%). This variant has not been reported in the literature in individuals affected with BMP1-related conditions. ClinVar contains an entry for this variant (Variation ID: 1398150). Invitae Evidence Modeling of protein sequence and biophysical properties (such as structural, functional, and spatial information, amino acid conservation, physicochemical variation, residue mobility, and thermodynamic stability) indicates that this missense variant is not expected to disrupt BMP1 protein function with a negative predictive value of 80%. In summary, the available evidence is currently insufficient to determine the role of this variant in disease. Therefore, it has been classified as a Variant of Uncertain Significance.